The following is an entry in ClinVar:

ClinVar aggregate classification (germline): Uncertain significance (1 of 4 stars; one submission).

Conditions:
Congenital multicore myopathy with external ophthalmoplegia (CMYO1B). Also called: MULTIMINICORE DISEASE WITH EXTERNAL OPHTHALMOPLEGIA; Minicore myopathy with external ophthalmoplegia; Congenital myopathy 1B, autosomal recessive; Minicore myopathy; MULTICORE MYOPATHY. Identifiers: Orphanet 598, Orphanet 98905, MedGen C1850674, MONDO:0009712, OMIM 255320, HP:0003789.
Central core myopathy (CMYO1A). Also called: CONGENITAL MYOPATHY 1A, AUTOSOMAL DOMINANT, WITH SUSCEPTIBILITY TO MALIGNANT HYPERTHERMIA; Central core disease; Myopathy, central fibrillar. Identifiers: Orphanet 597, MedGen C5830701, MONDO:0007294, OMIM 117000.
King Denborough syndrome (KDS). Identifiers: MedGen C1840365, MONDO:0020485, OMIM 619542.
Malignant hyperthermia, susceptibility to, 1 (MHS1). Also called: Malignant hyperthermia suceptibility 1; Anesthesia related hyperthermia; Malignant hyperpyrexia; Fulminating hyperpyrexia; Pharmacogenic myopathy; RYR1-Related Malignant Hyperthermia Susceptibility. Identifiers: Orphanet 423, MedGen C2930980, MONDO:0007783, OMIM 145600.

Submission:

Juno Genomics, Hangzhou Juno Genomics, Inc
Classification: Uncertain significance for Central core myopathy; Congenital multicore myopathy with external ophthalmoplegia; Malignant hyperthermia, susceptibility to, 1; King Denborough syndrome. Review status: criteria provided, single submitter. Criteria: ACMG Guidelines, 2015. Collection method: clinical testing. Allele origin: germline.
Comment: Absent from controls (or at extremely low frequency if recessive) in Genome Aggregation Database.;Protein length changes due to in-frame deletions/insertions in a non-repeat region or stop-loss variants.

NM_000540.3(RYR1):c.12948_12956del (p.Val4317_Arg4319del)

Gene: RYR1 (ryanodine receptor 1; plus strand). Cytogenetic location: 19q13.2.
Variant type: Deletion.
Coding change: c.12948_12956del on transcript NM_000540.3 (MANE Select); coding-DNA positions 12948 to 12956, 9 bases deleted (CGTGCGGCG; older notation c.12948_12956delCGTGCGGCG).
Protein change: p.Val4317_Arg4319del.
Molecular consequence: inframe deletion.
Genome position (GRCh38, 1-based): chr19:38,565,282-38,565,290, CGTGCGGCG deleted; deleting any 9 consecutive bases within chr19:38,565,276-38,565,290 gives the same sequence; the c. name uses the placement nearest the transcript's 3' end. VCF-style (leftmost placement, unchanged base first): chr19-38565275-GGCGGCGCGT-G. GRCh37 (hg19) VCF-style: chr19-39055915-GGCGGCGCGT-G.
Other names: c.12933_12941del, p.Val4312_Arg4314del (NM_001042723.2).
Identifiers: ClinVar variation 5005983 (VCV005005983.2).
Genomic context (GRCh38, chr19:38,565,275, plus strand): 5'-CGGCGCGGGTTGTGGCGGCCGCAGGCCGGGCCCTGCGAGGCCTCAGCTACCGCAGCCTGC[GGCGGCGCGT>G]GCGGCGGCTGCGGCGGCTTACGGCCCGCGAGGCGGCCACCGCAGTGGCGGCGCTGCTCTG-3'